The following is an entry in ClinVar:

NM_000215.4(JAK3):c.870G>T (p.Gln290His)

Gene: JAK3 (Janus kinase 3; minus strand). Cytogenetic location: 19p13.11.
Variant type: single nucleotide variant.
Coding change: c.870G>T on transcript NM_000215.4 (MANE Select); coding-DNA position 870, G replaced by T.
Protein change: p.Gln290His; replaces glutamine 290 with histidine.
Molecular consequence: missense variant.
Genome position (GRCh38, 1-based): chr19:17,841,754, C>A on the plus strand (G>T on the coding strand, the complement: JAK3 is on the minus strand). VCF-style: chr19-17841754-C-A. GRCh37 (hg19) VCF-style: chr19-17952563-C-A.
Other names: short protein forms Q290H.
Identifiers: ClinVar variation 1434985 (VCV001434985.3), dbSNP rs2147695669, ClinGen allele CA404772153.

ClinVar aggregate classification (germline): Uncertain significance (1 of 4 stars; one submission).

Conditions:
T-B+ severe combined immunodeficiency due to JAK3 deficiency. Also called: SCID, autosomal recessive, T-negative/B-positive type; SCID, T CELL-NEGATIVE, B CELL-POSITIVE, NK CELL-NEGATIVE. Identifiers: Orphanet 35078, MedGen C1833275, MONDO:0010938, OMIM 600802.

Submission:

Labcorp Genetics (formerly Invitae), Labcorp
Classification: Uncertain significance for T-B+ severe combined immunodeficiency due to JAK3 deficiency. Last evaluated: 2021-09-19. Review status: criteria provided, single submitter. Criteria: Invitae Variant Classification Sherloc (09022015). Collection method: clinical testing. Allele origin: germline.
Comment: This sequence change replaces glutamine with histidine at codon 290 of the JAK3 protein (p.Gln290His). The glutamine residue is highly conserved and there is a small physicochemical difference between glutamine and histidine. This variant is not present in population databases (ExAC no frequency). This variant has not been reported in the literature in individuals affected with JAK3-related conditions. Algorithms developed to predict the effect of missense changes on protein structure and function are either unavailable or do not agree on the potential impact of this missense change (SIFT: "Deleterious"; PolyPhen-2: "Possibly Damaging"; Align-GVGD: "Class C0"). In summary, the available evidence is currently insufficient to determine the role of this variant in disease. Therefore, it has been classified as a Variant of Uncertain Significance.